The following is an entry in ClinVar:

ClinVar aggregate classification (germline): Conflicting classifications of pathogenicity. Review status: criteria provided, conflicting classifications (1 of 4 stars). 4 submissions from 4 submitters: Uncertain significance (2); Likely benign (2). Last evaluated 2025-06-10.

Conditions:
EP300-related disorder. Also called: EP300-related disorders; EP300-related condition.
Rubinstein-Taybi syndrome due to EP300 haploinsufficiency. Also called: EP300-Related Rubinstein-Taybi Syndrome; RUBINSTEIN-TAYBI SYNDROME 2. Identifiers: Orphanet 353284, Orphanet 783, MedGen C3150941, MONDO:0013364, OMIM 613684.

Allele frequency attached by ClinVar (database versions not stated): TOPMed 0.00002; ExAC 0.00001; gnomAD exomes 0.00002.
gnomAD v4.1: 35 of 1,614,210 alleles (0.0022%); highest among the groups gnomAD compares: Non-Finnish European, 0.003%; no homozygotes.

Submissions (4):

PreventionGenetics, part of Exact Sciences
Classification: Uncertain significance for EP300-related condition. Last evaluated: 2025-06-10. Review status: criteria provided, single submitter. Criteria: ACMG Guidelines, 2015. Collection method: clinical testing. Allele origin: germline.
Comment: The EP300 c.596G>C variant is predicted to result in the amino acid substitution p.Gly199Ala. To our knowledge, this variant has not been reported in the literature. This variant is reported in 0.0023% of alleles in individuals of European (Non-Finnish) descent in gnomAD. At this time, the clinical significance of this variant is uncertain due to the absence of conclusive functional and genetic evidence.

Labcorp Genetics (formerly Invitae), Labcorp
Classification: Likely benign for Rubinstein-Taybi syndrome due to EP300 haploinsufficiency. Last evaluated: 2024-03-06. Review status: criteria provided, single submitter. Criteria: Invitae Variant Classification Sherloc (09022015). Collection method: clinical testing. Allele origin: germline.

GeneDx
Classification: Uncertain significance. Last evaluated: 2023-01-27. Review status: criteria provided, single submitter. Criteria: GeneDx Variant Classification Process June 2021. Collection method: clinical testing. Allele origin: germline. Affected: yes.
Comment: In silico analysis supports that this missense variant has a deleterious effect on protein structure/function; Has not been previously published as pathogenic or benign to our knowledge

Blueprint Genetics
Classification: Likely benign. Last evaluated: 2020-11-02. Review status: criteria provided, single submitter. Criteria: ACMG Guidelines, 2015. Collection method: clinical testing. Allele origin: germline.

NM_001429.4(EP300):c.596G>C (p.Gly199Ala)

Gene: EP300 (EP300 lysine acetyltransferase; plus strand). Cytogenetic location: 22q13.2.
Variant type: single nucleotide variant.
Coding change: c.596G>C on transcript NM_001429.4 (MANE Select); coding-DNA position 596, G replaced by C.
Protein change: p.Gly199Ala; replaces glycine 199 with alanine.
Molecular consequence: missense variant.
Genome position (GRCh38, 1-based): chr22:41,117,688, G>C. VCF-style: chr22-41117688-G-C. GRCh37 (hg19) VCF-style: chr22-41513692-G-C.
Other names: c.596G>C, p.Gly199Ala (NM_001362843.2); short protein forms G199A.
Identifiers: ClinVar variation 2574461 (VCV002574461.5), dbSNP rs761775649, ClinGen allele CA10252282.
Genomic context (GRCh38, chr22:41,117,688, plus strand): 5'-CTGCAGGCAATGGACAAGGGATAATGCCTAATCAAGTCATGAACGGTTCAATTGGAGCAG[G>C]CCGAGGGCGACAGAATATGCAGTACCCAAACCCAGGCATGGGAAGTGCTGGCAACTTACT-3'
Protein context (NP_001420.2, residues 189-209): NQVMNGSIGA[Gly199Ala]RGRQNMQYPN